The following is an entry in ClinVar:

NM_000553.6(WRN):c.2345del (p.Gly782fs)

Gene: WRN (WRN RecQ like helicase; plus strand). Cytogenetic location: 8p12.
Variant type: Deletion.
Coding change: c.2345del on transcript NM_000553.6 (MANE Select); coding-DNA position 2345, one base deleted (G; older notation c.2345delG).
Protein change: p.Gly782fs; shifts the reading frame from glycine 782.
Molecular consequence: frameshift variant.
Genome position (GRCh38, 1-based): chr8:31,116,425, G deleted; the last of 2 consecutive G bases (chr8:31,116,424-31,116,425); deleting either gives the same sequence. VCF-style (leftmost placement, unchanged base first): chr8-31116423-AG-A. GRCh37 (hg19) VCF-style: chr8-30973939-AG-A.
Other names: short protein forms G782fs.
Identifiers: ClinVar variation 665278 (VCV000665278.7), dbSNP rs1585478303, ClinGen allele CA915945641.
Genomic context (GRCh38, chr8:31,116,423, plus strand): 5'-GGAATTTGAAGGTCCAACAATCATCTACTGTCCTTCTAGAAAAATGACACAACAAGTTAC[AG>A]GTGAACTTAGGAAACTGAATCTATCCTGTGGAACATACCATGCGGGCATGAGTTTTAGCA-3'

ClinVar aggregate classification (germline): Pathogenic/Likely pathogenic. Review status: criteria provided, multiple submitters, no conflicts (2 of 4 stars). 3 submissions from 3 submitters: Pathogenic (1); Likely pathogenic (2). Last evaluated 2024-06-13.

Conditions:
Werner syndrome (WRN). Identifiers: Orphanet 902, MedGen C0043119, MONDO:0010196, OMIM 277700.

Submissions (3):

Labcorp Genetics (formerly Invitae), Labcorp
Classification: Pathogenic for Werner syndrome. Last evaluated: 2024-06-13. Review status: criteria provided, single submitter. Criteria: Invitae Variant Classification Sherloc (09022015). Collection method: clinical testing. Allele origin: germline.
Comment: This sequence change creates a premature translational stop signal (p.Gly782Valfs*6) in the WRN gene. It is expected to result in an absent or disrupted protein product. Loss-of-function variants in WRN are known to be pathogenic (PMID: 16673358). This variant is not present in population databases (gnomAD no frequency). This variant has not been reported in the literature in individuals affected with WRN-related conditions. ClinVar contains an entry for this variant (Variation ID: 665278). For these reasons, this variant has been classified as Pathogenic.

Fulgent Genetics
Classification: Likely pathogenic for Werner syndrome. Last evaluated: 2024-05-20. Review status: criteria provided, single submitter. Criteria: ACMG Guidelines, 2015. Collection method: clinical testing. Allele origin: germline.

Baylor Genetics
Classification: Likely pathogenic for Werner syndrome. Last evaluated: 2024-02-22. Review status: criteria provided, single submitter. Criteria: ACMG Guidelines, 2015. Collection method: clinical testing. Allele origin: unknown.

Literature cited by the submitters: PubMed 16673358 (cited by Labcorp Genetics (formerly Invitae), Labcorp).